The following is an entry in ClinVar:

ClinVar aggregate classification (germline): Pathogenic (1 of 4 stars; one submission).

Submission:

Labcorp Genetics (formerly Invitae), Labcorp
Classification: Pathogenic. Last evaluated: 2023-03-25. Review status: criteria provided, single submitter. Criteria: Invitae Variant Classification Sherloc (09022015). Collection method: clinical testing. Allele origin: germline.
Comment: This sequence change creates a premature translational stop signal (p.Tyr576*) in the GALNT3 gene. It is expected to result in an absent or disrupted protein product. Loss-of-function variants in GALNT3 are known to be pathogenic (PMID: 15133511, 20358599). This variant is not present in population databases (gnomAD no frequency). This variant has not been reported in the literature in individuals affected with GALNT3-related conditions. For these reasons, this variant has been classified as Pathogenic.

Literature cited by the submitters: PubMed 15133511; PubMed 20358599.

NM_004482.4(GALNT3):c.1728C>A (p.Tyr576Ter)

Gene: GALNT3 (polypeptide N-acetylgalactosaminyltransferase 3; minus strand). Cytogenetic location: 2q24.3.
Variant type: single nucleotide variant.
Coding change: c.1728C>A on transcript NM_004482.4 (MANE Select); coding-DNA position 1728, C replaced by A.
Protein change: p.Tyr576Ter; replaces tyrosine 576 with a stop codon.
Molecular consequence: nonsense.
Genome position (GRCh38, 1-based): chr2:165,749,793, G>T on the plus strand (C>A on the coding strand, the complement: GALNT3 is on the minus strand). VCF-style: chr2-165749793-G-T. GRCh37 (hg19) VCF-style: chr2-166606303-G-T.
Other names: short protein forms Y576*.
Identifiers: ClinVar variation 2849360 (VCV002849360.3), dbSNP rs2467855307, ClinGen allele CA349028426.